The following is an entry in ClinVar:

NM_000059.4(BRCA2):c.6568G>A (p.Val2190Ile)

Gene: BRCA2 (BRCA2 DNA repair associated; plus strand). Cytogenetic location: 13q13.1.
Variant type: single nucleotide variant.
Coding change: c.6568G>A on transcript NM_000059.4 (MANE Select); coding-DNA position 6568, G replaced by A.
Protein change: p.Val2190Ile; replaces valine 2190 with isoleucine.
Molecular consequence: missense variant.
Genome position (GRCh38, 1-based): chr13:32,340,923, G>A. VCF-style: chr13-32340923-G-A. GRCh37 (hg19) VCF-style: chr13-32915060-G-A.
Other names: 6796G>A; short protein forms V2190I.
Identifiers: ClinVar variation 52129 (VCV000052129.30), dbSNP rs80358888, ClinGen allele CA024184.

ClinVar aggregate classification (germline): Conflicting classifications of pathogenicity. Review status: criteria provided, conflicting classifications (1 of 4 stars). 12 submissions from 12 submitters: Uncertain significance (6); Likely benign (3). 3 of the submissions do not count toward it. Last evaluated 2025-11-12.

Conditions:
Hereditary breast ovarian cancer syndrome. Also called: Hereditary breast and ovarian cancer syndrome; Hereditary breast and ovarian cancer; Hereditary breast and ovarian cancer syndrome (HBOC); Breast and ovarian cancer; Hereditary breast and/or ovarian cancer syndrome; BRCA1- and BRCA2-Associated Hereditary Breast and Ovarian Cancer. Identifiers: Orphanet 145, MedGen C0677776, MeSH D061325, MONDO:0003582. Disease mechanism: loss of function.
Breast-ovarian cancer, familial, susceptibility to, 2 (BROVCA2). Also called: BRCA2 Hereditary Breast and Ovarian Cancer. Identifiers: Orphanet 145, MedGen C2675520, MONDO:0012933, OMIM 612555. Disease mechanism: loss of function.
Hereditary cancer-predisposing syndrome. Also called: Neoplastic Syndromes, Hereditary; Tumor predisposition; Hereditary neoplastic syndrome; Hereditary Cancer Syndrome. Identifiers: Orphanet 140162, MedGen C0027672, MeSH D009386, MONDO:0015356.

Allele frequency attached by ClinVar (database versions not stated): TOPMed 0.00002.
gnomAD v4.1: 21 of 1,610,066 alleles (0.0013%); highest among the groups gnomAD compares: African/African-American, 0.0013%; 1 homozygote.

Submissions (12):

Labcorp Genetics (formerly Invitae), Labcorp
Classification: Likely benign for Hereditary breast ovarian cancer syndrome. Last evaluated: 2025-11-12. Review status: criteria provided, single submitter. Criteria: Invitae Variant Classification Sherloc (09022015). Collection method: clinical testing. Allele origin: germline.

Women's Health and Genetics/Laboratory Corporation of America, LabCorp
Classification: Uncertain significance. Last evaluated: 2024-11-20. Review status: criteria provided, single submitter. Criteria: LabCorp Variant Classification Summary - May 2015. Collection method: clinical testing. Allele origin: germline.
Comment: Variant summary: BRCA2 c.6568G>A (p.Val2190Ile) results in a conservative amino acid change in the encoded protein sequence. Five of five in-silico tools predict a benign effect of the variant on protein function. The variant allele was found at a frequency of 1.2e-05 in 246604 control chromosomes (gnomAD). The available data on variant occurrences in the general population are insufficient to allow any conclusion about variant significance. To our knowledge, no occurrence of c.6568G>A in individuals affected with Hereditary Breast And Ovarian Cancer Syndrome and no experimental evidence demonstrating its impact on protein function have been reported. At-least one co-occurrence with another pathogenic variant has been reported in the BIC database (BRCA1 c.5145del, p.Tyr1716fs), providing supporting evidence for a benign role. ClinVar contains an entry for this variant (Variation ID: 52129). Based on the evidence outlined above, the variant was classified as uncertain significance.

GeneDx
Classification: Uncertain significance. Last evaluated: 2024-02-27. Review status: criteria provided, single submitter. Criteria: GeneDx Variant Classification Process June 2021. Collection method: clinical testing. Allele origin: germline. Affected: yes.
Comment: Not observed at significant frequency in large population cohorts (gnomAD); In silico analysis supports that this missense variant does not alter protein structure/function; Has not been previously published as pathogenic or benign to our knowledge; Also known as 6796G>A; This variant is associated with the following publications: (PMID: 31131967, 29884841, 32377563)

All of Us Research Program, National Institutes of Health
Classification: Uncertain significance for Breast-ovarian cancer, familial, susceptibility to, 2. Last evaluated: 2024-01-11. Review status: criteria provided, single submitter. Criteria: ACMG Guidelines, 2015. Collection method: clinical testing. Allele origin: germline. Inheritance: Autosomal dominant inheritance. Observed: 3 variant alleles, 3 heterozygotes.
Comment: This missense variant replaces valine with isoleucine at codon 2190 of the BRCA2 protein. Computational prediction suggests that this variant may not impact protein structure and function (internally defined REVEL score threshold <= 0.5, PMID: 27666373). To our knowledge, functional studies have not been reported for this variant. This variant has not been reported in individuals affected with hereditary cancer in the literature. This variant has been identified in 3/246604 chromosomes in the general population by the Genome Aggregation Database (gnomAD). The available evidence is insufficient to determine the role of this variant in disease conclusively. Therefore, this variant is classified as a Variant of Uncertain Significance.

This study involves interpretation of variants in research participants for the purpose of population health screening. Participant phenotype was not available at the time of variant classification. Additional details can be found in publication PMID: 35346344, PMCID: PMC8962531

Color Diagnostics, LLC DBA Color Health
Classification: Uncertain significance for Hereditary cancer-predisposing syndrome. Last evaluated: 2023-12-28. Review status: criteria provided, single submitter. Criteria: ACMG Guidelines, 2015. Collection method: clinical testing. Allele origin: germline.
Comment: This missense variant replaces valine with isoleucine at codon 2190 of the BRCA2 protein. Computational prediction suggests that this variant may not impact protein structure and function. To our knowledge, functional studies have not been reported for this variant. A multifactorial analysis has reported likelihood ratios for pathogenicity based on co-occurrence with a pathogenic variant and family history of 1.1022 and 0.4727, respectively (PMID: 31131967). This variant has been identified in 3/246604 chromosomes in the general population by the Genome Aggregation Database (gnomAD). The available evidence is insufficient to determine the role of this variant in disease conclusively. Therefore, this variant is classified as a Variant of Uncertain Significance.

University of Washington Department of Laboratory Medicine, University of Washington
Classification: Likely benign for Hereditary cancer-predisposing syndrome. Last evaluated: 2023-03-23. Review status: criteria provided, single submitter. Criteria: Dines et al. (Genet Med. 2020). Collection method: curation. Allele origin: germline.
Comment: Missense variant in a coldspot region where missense variants are very unlikely to be pathogenic (PMID:31911673).

BRCA2 exon 11 coldspot. Reclassification based on statistical prior probability.

Quest Diagnostics Nichols Institute San Juan Capistrano
Classification: Uncertain significance. Last evaluated: 2023-02-07. Review status: criteria provided, single submitter. Criteria: Quest Diagnostics criteria. Collection method: clinical testing. Allele origin: unknown.
Comment: To the best of our knowledge, the variant has not been reported in the published literature. The frequency of this variant in the general population, 0.000012 (3/246604 chromosomes), is uninformative in assessment of its pathogenicity. Analysis of this variant using bioinformatics tools for the prediction of the effect of amino acid changes on protein structure and function yielded predictions that this variant is benign. Based on the available information, we are unable to determine the clinical significance of this variant.

Sema4
Classification: Uncertain significance for Hereditary cancer-predisposing syndrome. Last evaluated: 2021-08-19. Review status: criteria provided, single submitter. Criteria: Sema4 Curation Guidelines. Collection method: curation. Allele origin: germline.
Comment: To the best of our knowledge, the BRCA2 c.6568G>A (p.V2190I) variant has not been reported in individuals with BRCA2-related disease. It was observed in 3/246604 chromosomes in the large and broad cohorts of the Genome Aggregation Database (PMID: 32461654). The variant has been reported in ClinVar (Variation ID 52129). Functional studies have not been performed, and in silico predictions of the variant's effect on protein function are inconclusive. The evidence is insufficient to meet ACMG/AMP criteria for classifying the variant as benign or pathogenic. Thus, the clinical significance of this variant is currently uncertain.

Ambry Genetics
Classification: Likely benign for Hereditary cancer-predisposing syndrome. Last evaluated: 2017-06-28. Review status: criteria provided, single submitter. Criteria: Ambry Variant Classification Scheme 2023. Collection method: clinical testing. Allele origin: germline.

Sharing Clinical Reports Project (SCRP)
Classification: Uncertain significance for Breast-ovarian cancer, familial 2. Last evaluated: 2010-09-09. Review status: no assertion criteria provided. Collection method: clinical testing. Allele origin: germline. Not counted in ClinVar's aggregate classification.

Breast Cancer Information Core (BIC) (BRCA2)
Classification: Uncertain significance for Breast-ovarian cancer, familial 2. Last evaluated: 2003-12-23. Review status: no assertion criteria provided. Collection method: clinical testing. Allele origin: germline. Affected: yes. Observed: 1 variant allele. Not counted in ClinVar's aggregate classification.

Department of Pathology and Laboratory Medicine, Sinai Health System
Classification: Uncertain significance. Review status: no assertion criteria provided. Collection method: clinical testing. Allele origin: unknown. Affected: yes. Study: The Canadian Open Genetics Repository (COGR). Not counted in ClinVar's aggregate classification.
Comment: The BRCA2 p.Val2190Ile variant was not identified in the literature nor was it identified in the following databases: COGR, Cosmic, MutDB, UMD-LSDB, BIC Database, ARUP Laboratories, Zhejiang Colon Cancer Database. The variant was identified in dbSNP (ID: rs80358888) as â€šÃ„ÃºWith Uncertain significance alleleâ€šÃ„Ã¹, ClinVar (as uncertain significance by Ambry Genetics, SCRP, and BIC), Clinvitae (2x), and LOVD 3.0 (1x). The variant was identified in control databases in 3 of 242210 chromosomes at a frequency of 0.000012 (Genome Aggregation Database Feb 27, 2017). It was observed in the following populations: European (Non-Finnish) in 2 of 110360 chromosomes (freq: 0.000018), and South Asian in 1 of 29520 chromosomes (freq: 0.000034); it was not observed in the African, Other, Latino, Ashkenazi Jewish, East Asian, or European (Finnish) populations. The p.Val2190 residue is not conserved in mammals and the variant amino acid Isoleucine (Ile) is present in rats, dogs, cows, and chickens, increasing the likelihood that this variant does not have clinical significance. In addition, computational analyses (PolyPhen-2, SIFT, AlignGVGD, BLOSUM, MutationTaster) do not suggest a high likelihood of impact to the protein; however, this information is not predictive enough to rule out pathogenicity. The variant occurs outside of the splicing consensus sequence and in silico or computational prediction software programs (SpliceSiteFinder, MaxEntScan, NNSPLICE, GeneSplicer, HumanSpliceFinder) do not predict a difference in splicing. In summary, based on the above information the clinical significance of this variant cannot be determined with certainty at this time. This variant is classified as a variant of uncertain significance.

Literature cited by the submitters: PubMed 31131967 (cited by Color Diagnostics, LLC DBA Color Health).